The following is an entry in ClinVar:

ClinVar aggregate classification (germline): Likely benign. Review status: criteria provided, multiple submitters, no conflicts (2 of 4 stars). 4 submissions from 4 submitters: Likely benign (4). Last evaluated 2026-04-20.

Conditions:
Cardiovascular phenotype. Identifiers: MedGen CN230736.
Hypertrophic cardiomyopathy 12. Identifiers: MedGen C2677491, MONDO:0012804, OMIM 612124.
Dilated cardiomyopathy 1M (CMD1M). Identifiers: Orphanet 154, MedGen C1843808, MONDO:0011840, OMIM 607482.

Allele frequency attached by ClinVar (database versions not stated): ExAC 0.00001; gnomAD exomes 0.00001.
gnomAD v4.1: 9 of 1,613,338 alleles (0.00056%); highest among the groups gnomAD compares: East Asian, 0.0022%; no homozygotes.

Submissions (4):

Ambry Genetics
Classification: Likely benign for Cardiovascular phenotype. Last evaluated: 2026-04-20. Review status: criteria provided, single submitter. Criteria: Ambry Variant Classification Scheme 2023. Collection method: clinical testing. Allele origin: germline.

Labcorp Genetics (formerly Invitae), Labcorp
Classification: Likely benign for Hypertrophic cardiomyopathy 12; Dilated cardiomyopathy 1M. Last evaluated: 2025-08-24. Review status: criteria provided, single submitter. Criteria: Invitae Variant Classification Sherloc (09022015). Collection method: clinical testing. Allele origin: germline.

GeneDx
Classification: Likely benign. Last evaluated: 2018-11-29. Review status: criteria provided, single submitter. Criteria: GeneDx Variant Classification Process June 2021. Collection method: clinical testing. Allele origin: germline. Affected: yes.

Laboratory for Molecular Medicine, Mass General Brigham Personalized Medicine
Classification: Likely benign. Last evaluated: 2013-05-22. Review status: criteria provided, single submitter. Criteria: LMM Criteria. Collection method: clinical testing. Allele origin: germline. Observed: 1 variant allele.
Comment: Tyr172Tyr in exon 6 of CSRP3: This variant is not expected to have clinical sign ificance because it does not alter an amino acid residue and is not located with in the splice consensus sequence. Tyr172Tyr in exon 6 of CSRP3 (allele frequenc y = n/a)

NM_003476.5(CSRP3):c.516T>C (p.Tyr172=)

Gene: CSRP3 (cysteine and glycine rich protein 3; minus strand). Cytogenetic location: 11p15.1.
Variant type: single nucleotide variant.
Coding change: c.516T>C on transcript NM_003476.5 (MANE Select); coding-DNA position 516, T replaced by C.
Protein change: p.Tyr172=; no amino-acid change (tyrosine 172 retained).
Molecular consequence: synonymous variant. On other transcripts: missense variant (1).
Genome position (GRCh38, 1-based): chr11:19,182,739, A>G on the plus strand (T>C on the coding strand, the complement: CSRP3 is on the minus strand). VCF-style: chr11-19182739-A-G. GRCh37 (hg19) VCF-style: chr11-19204286-A-G.
Other names: c.347T>C, p.Met116Thr (NM_001369404.1); short protein forms M116T.
Identifiers: ClinVar variation 178967 (VCV000178967.16), dbSNP rs727504575, ClinGen allele CA183402.